The following is an entry in ClinVar:

ClinVar aggregate classification (germline): Uncertain significance. Review status: criteria provided, multiple submitters, no conflicts (2 of 4 stars). 2 submissions from 2 submitters: Uncertain significance (2). Last evaluated 2026-01-06.

Conditions:
Inborn genetic diseases. Identifiers: MedGen C0950123, MeSH D030342.
Developmental and epileptic encephalopathy, 30 (DEE30). Also called: Epileptic encephalopathy, early infantile, 30. Identifiers: MedGen C4225360, MONDO:0014595, OMIM 616341.

Allele frequency attached by ClinVar (database versions not stated): ExAC 0.00002.

Submissions (2):

Ambry Genetics
Classification: Uncertain significance for Inborn genetic diseases. Last evaluated: 2026-01-06. Review status: criteria provided, single submitter. Criteria: Ambry Variant Classification Scheme 2023. Collection method: clinical testing. Allele origin: germline.
Comment: The c.563C>G (p.P188R) alteration is located in exon 6 (coding exon 5) of the SIK1 gene. This alteration results from a C to G substitution at nucleotide position 563, causing the proline (P) at amino acid position 188 to be replaced by an arginine (R). Based on data from gnomAD, the G allele has an overall frequency of 0.001% (3/249652) total alleles studied. The highest observed frequency was 0.003% (3/112618) of European (non-Finnish) alleles. Based on insufficient or conflicting evidence, the clinical significance of this alteration remains unclear.

Labcorp Genetics (formerly Invitae), Labcorp
Classification: Uncertain significance for Developmental and epileptic encephalopathy, 30. Last evaluated: 2025-08-20. Review status: criteria provided, single submitter. Criteria: Invitae Variant Classification Sherloc (09022015). Collection method: clinical testing. Allele origin: germline.
Comment: This sequence change replaces proline, which is neutral and non-polar, with arginine, which is basic and polar, at codon 188 of the SIK1 protein (p.Pro188Arg). This variant is present in population databases (rs754959423, gnomAD 0.003%). This variant has not been reported in the literature in individuals affected with SIK1-related conditions. ClinVar contains an entry for this variant (Variation ID: 854416). An algorithm developed to predict the effect of missense changes on protein structure and function (PolyPhen-2) suggests that this variant is likely to be disruptive. In summary, the available evidence is currently insufficient to determine the role of this variant in disease. Therefore, it has been classified as a Variant of Uncertain Significance.

Literature cited by the submitters: PubMed 28106320 (cited by Ambry Genetics).

NM_173354.5(SIK1):c.563C>G (p.Pro188Arg)

Gene: SIK1 (salt inducible kinase 1; minus strand). Cytogenetic location: 21q22.3.
Variant type: single nucleotide variant.
Coding change: c.563C>G on transcript NM_173354.5 (MANE Select); coding-DNA position 563, C replaced by G.
Protein change: p.Pro188Arg; replaces proline 188 with arginine.
Molecular consequence: missense variant.
Genome position (GRCh38, 1-based): chr21:43,421,304, G>C on the plus strand (C>G on the coding strand, the complement: SIK1 is on the minus strand). VCF-style: chr21-43421304-G-C. GRCh37 (hg19) VCF-style: chr21-44841184-G-C.
Other names: short protein forms P188R.
Identifiers: ClinVar variation 854416 (VCV000854416.12), dbSNP rs754959423, ClinGen allele CA321327810.